The following is an entry in ClinVar:

NM_000170.3(GLDC):c.2545A>G (p.Arg849Gly)

Gene: GLDC (glycine decarboxylase; minus strand). Cytogenetic location: 9p24.1.
Variant type: single nucleotide variant.
Coding change: c.2545A>G on transcript NM_000170.3 (MANE Select); coding-DNA position 2545, A replaced by G.
Protein change: p.Arg849Gly; replaces arginine 849 with glycine.
Molecular consequence: missense variant.
Genome position (GRCh38, 1-based): chr9:6,550,827, T>C on the plus strand (A>G on the coding strand, the complement: GLDC is on the minus strand). VCF-style: chr9-6550827-T-C. GRCh37 (hg19) VCF-style: chr9-6550827-T-C.
Other names: short protein forms R849G.
Identifiers: ClinVar variation 531776 (VCV000531776.8), dbSNP rs778000679, ClinGen allele CA4980181.

ClinVar aggregate classification (germline): Uncertain significance. Review status: criteria provided, multiple submitters, no conflicts (2 of 4 stars). 4 submissions from 4 submitters: Uncertain significance (3). 1 of the submissions does not count toward it. Last evaluated 2022-09-07.

Conditions:
Glycine encephalopathy. Also called: Non-ketotic hyperglycinemia; Nonketotic hyperglycinemia. Identifiers: Orphanet 407, MedGen C0751748, MONDO:0011612, HP:0008288.

Allele frequency attached by ClinVar (database versions not stated): ExAC 0.00001; TOPMed 0.00002; gnomAD exomes 0.00004.
gnomAD v4.1: 18 of 1,612,580 alleles (0.0011%); highest among the groups gnomAD compares: Middle Eastern, 0.017%; no homozygotes.

Submissions (4):

Labcorp Genetics (formerly Invitae), Labcorp
Classification: Uncertain significance for Glycine encephalopathy. Last evaluated: 2022-09-07. Review status: criteria provided, single submitter. Criteria: Invitae Variant Classification Sherloc (09022015). Collection method: clinical testing. Allele origin: germline.
Comment: This sequence change replaces arginine, which is basic and polar, with glycine, which is neutral and non-polar, at codon 849 of the GLDC protein (p.Arg849Gly). This variant is present in population databases (rs778000679, gnomAD 0.02%). This variant has not been reported in the literature in individuals affected with GLDC-related conditions. ClinVar contains an entry for this variant (Variation ID: 531776). Advanced modeling of protein sequence and biophysical properties (such as structural, functional, and spatial information, amino acid conservation, physicochemical variation, residue mobility, and thermodynamic stability) performed at Invitae indicates that this missense variant is not expected to disrupt GLDC protein function. In summary, the available evidence is currently insufficient to determine the role of this variant in disease. Therefore, it has been classified as a Variant of Uncertain Significance.

Blueprint Genetics
Classification: Uncertain significance. Last evaluated: 2021-10-07. Review status: criteria provided, single submitter. Criteria: ACMG Guidelines, 2015. Collection method: clinical testing. Allele origin: germline.

GeneDx
Classification: Uncertain significance. Last evaluated: 2019-09-03. Review status: criteria provided, single submitter. Criteria: GeneDx Variant Classification Process June 2021. Collection method: clinical testing. Allele origin: germline. Affected: yes.
Comment: In silico analysis, which includes protein predictors and evolutionary conservation, supports a deleterious effect; Has not been previously published as pathogenic or benign to our knowledge

Natera, Inc.
Classification: Uncertain significance for Non-ketotic hyperglycinemia. Last evaluated: 2019-10-28. Review status: no assertion criteria provided. Collection method: clinical testing. Allele origin: germline. Not counted in ClinVar's aggregate classification.